The following is an entry in ClinVar:

ClinVar aggregate classification (germline): Likely pathogenic. Review status: criteria provided, multiple submitters, no conflicts (2 of 4 stars). 4 submissions from 4 submitters: Likely pathogenic (2). 2 of the submissions do not count toward it. Last evaluated 2023-05-12.

Conditions:
Pulmonary hypertension, neonatal, susceptibility to (PHN). Identifiers: MedGen C3714958, MONDO:0014151, OMIM 615371.
Congenital hyperammonemia, type I. Also called: Carbamoyl-phosphate synthase I deficiency; CPS I DEFICIENCY; Carbamoyl phosphate synthetase I deficiency disease; Carbamoyl phosphate synthetase 1 deficiency; Hyperammonemia due to carbamoyl phosphate synthetase 1 deficiency; CPS 1 deficiency. Identifiers: Orphanet 147, MedGen C4082171, MONDO:0009376, OMIM 237300.

Allele frequency attached by ClinVar (database versions not stated): gnomAD exomes below 0.00001; TOPMed below 0.00001; gnomAD 0.00001.
gnomAD v4.1: 5 of 1,304,840 alleles (0.00038%); highest among the groups gnomAD compares: Non-Finnish European, 0.00045%; no homozygotes.

Submissions (4):

Baylor Genetics
Classification: Likely pathogenic for Pulmonary hypertension, neonatal, susceptibility to. Last evaluated: 2023-05-12. Review status: criteria provided, single submitter. Criteria: ACMG Guidelines, 2015. Collection method: clinical testing. Allele origin: unknown.

Labcorp Genetics (formerly Invitae), Labcorp
Classification: Likely pathogenic for Congenital hyperammonemia, type I. Last evaluated: 2018-03-28. Review status: criteria provided, single submitter. Criteria: Invitae Variant Classification Sherloc (09022015). Collection method: clinical testing. Allele origin: germline.
Comment: In summary, the currently available evidence indicates that the variant is pathogenic, but additional data are needed to prove that conclusively. Therefore, this variant has been classified as Likely Pathogenic. Donor and acceptor splice site variants typically lead to a loss of protein function (PMID: 16199547), and loss-of-function variants in CPS1 are known to be pathogenic (PMID: 21120950). Algorithms developed to predict the effect of sequence changes on RNA splicing suggest that this variant may disrupt the consensus splice site, but this prediction has not been confirmed by published transcriptional studies. This variant has not been reported in the literature in individuals with CPS1-related disease. This variant is not present in population databases (ExAC no frequency). This sequence change affects a donor splice site in intron 36 of the CPS1 gene. It is expected to disrupt RNA splicing and likely results in an absent or disrupted protein product.

Natera, Inc.
Classification: Likely pathogenic for Carbamoyl-phosphate synthase I deficiency. Last evaluated: 2020-09-16. Review status: no assertion criteria provided. Collection method: clinical testing. Allele origin: germline. Not counted in ClinVar's aggregate classification.

Counsyl
Classification: Likely pathogenic for Congenital hyperammonemia, type I. Last evaluated: 2018-01-29. Review status: no assertion criteria provided. Collection method: clinical testing. Allele origin: unknown. Not counted in ClinVar's aggregate classification.

Literature cited by the submitters: PubMed 16199547 (cited by Labcorp Genetics (formerly Invitae), Labcorp); PubMed 21120950 (cited by Labcorp Genetics (formerly Invitae), Labcorp).

NM_001875.5(CPS1):c.4274+2T>C

Gene: CPS1 (carbamoyl-phosphate synthase 1; plus strand). Cytogenetic location: 2q34.
Variant type: single nucleotide variant.
Coding change: c.4274+2T>C on transcript NM_001875.5 (MANE Select); the canonical splice donor site of the intron after coding-DNA position 4274, T replaced by C.
Molecular consequence: splice donor variant.
Genome position (GRCh38, 1-based): chr2:210,675,842, T>C. VCF-style: chr2-210675842-T-C. GRCh37 (hg19) VCF-style: chr2-211540566-T-C.
Other names: c.4274+2T>C (NM_001369257.1, NM_001122633.3); c.4307+2T>C (NM_001369256.1).
Identifiers: ClinVar variation 556287 (VCV000556287.16), dbSNP rs1374322297, ClinGen allele CA350440865.